The following is an entry in ClinVar:

NM_001142800.2(EYS):c.1211del (p.Asn404fs)

Gene: EYS (EGF-like photoreceptor maintenance factor; minus strand). Cytogenetic location: 6q12.
Variant type: Deletion.
Coding change: c.1211del on transcript NM_001142800.2 (MANE Select); coding-DNA position 1211, one base deleted (A; older notation c.1211delA).
Protein change: p.Asn404fs; shifts the reading frame from asparagine 404.
Molecular consequence: frameshift variant.
Genome position (GRCh38, 1-based): chr6:65,384,474, T deleted on the plus strand (A on the coding strand, the reverse complement: EYS is on the minus strand); the first of 7 consecutive T bases (chr6:65,384,474-65,384,480); deleting any one gives the same sequence. VCF-style (leftmost placement, unchanged base first): chr6-65384473-GT-G. GRCh37 (hg19) VCF-style: chr6-66094366-GT-G.
Other names: c.1211del, p.Asn404fs (NM_001142801.2, NM_001292009.2, NM_198283.2); c.1211del (NM_001142800.1); short protein forms N404fs.
Identifiers: ClinVar variation 438192 (VCV000438192.11), dbSNP rs764163418, ClinGen allele CA645509487.

ClinVar aggregate classification (germline): Pathogenic. Review status: criteria provided, multiple submitters, no conflicts (2 of 4 stars). 5 submissions from 5 submitters: Pathogenic (4). 1 of the submissions does not count toward it. Last evaluated 2025-09-24.

Conditions:
Retinal dystrophy. Also called: Inherited retinal dystrophy. Identifiers: Orphanet 71862, MedGen C0854723, MeSH D058499, MONDO:0019118, HP:0000556.
Retinitis pigmentosa 25 (RP25). Identifiers: Orphanet 791, MedGen C1864446, MONDO:0011272, OMIM 602772.

Submissions (5):

Natera, Inc.
Classification: Pathogenic for Retinitis pigmentosa type 25. Last evaluated: 2025-09-24. Review status: criteria provided, single submitter. Criteria: Natera Variant Classification Schema (03/2026). Collection method: clinical testing. Allele origin: germline.
Comment: The c.1211del variant in EYS is a frameshift variant predicted to shift the reading frame beginning at codon 404 and leads to a stop codon 17 codons downstream. This variant is expected to result in nonsense mediated decay, truncation, or a dysfunctional protein product. This variant is rare in the general population with a frequency below the threshold expected for the associated phenotype(s). This variant has been observed in one or more individuals affected with the associated recessive disease, as either homozygous or compound heterozygous with a second variant (PMID: 36819107). Given the available evidence, this variant is classified as Pathogenic.

Myriad Genetics, Inc.
Classification: Pathogenic for Retinitis pigmentosa 25. Last evaluated: 2024-05-14. Review status: criteria provided, single submitter. Criteria: Myriad Autosomal Dominant, Autosomal Recessive and X-Linked Classification Criteria (2023). Collection method: clinical testing. Allele origin: unknown.
Comment: NM_001142800.1(EYS):c.1211delA(N404Tfs*17) is expected to be pathogenic in the context of retinitis pigmentosa, EYS-related. This variant is predicted to lead to an abnormal or absent protein product due to the creation of a premature termination codon in EYS, a gene where loss-of-function variants are known to be pathogenic. Please note: this variant was assessed in the context of healthy population screening.

Baylor Genetics
Classification: Pathogenic for Retinitis pigmentosa 25. Last evaluated: 2022-05-13. Review status: criteria provided, single submitter. Criteria: ACMG Guidelines, 2015. Collection method: clinical testing. Allele origin: unknown.

Labcorp Genetics (formerly Invitae), Labcorp
Classification: Pathogenic. Last evaluated: 2021-06-30. Review status: criteria provided, single submitter. Criteria: Invitae Variant Classification Sherloc (09022015). Collection method: clinical testing. Allele origin: germline.
Comment: For these reasons, this variant has been classified as Pathogenic. ClinVar contains an entry for this variant (Variation ID: 438192). This premature translational stop signal has been observed in individual(s) with clinical features of EYS-related conditions (PMID: 28041643). This variant is not present in population databases (ExAC no frequency). This sequence change creates a premature translational stop signal (p.Asn404Thrfs*17) in the EYS gene. It is expected to result in an absent or disrupted protein product. Loss-of-function variants in EYS are known to be pathogenic (PMID: 18836446, 20333770).

NIHR Bioresource Rare Diseases, University of Cambridge
Classification: Likely pathogenic for Retinal dystrophy. Last evaluated: 2015-01-01. Review status: no assertion criteria provided. Collection method: research. Allele origin: unknown. Affected: yes. Observed: 1 variant allele. Not counted in ClinVar's aggregate classification.

Literature cited by the submitters: PubMed 36819107 (cited by Natera, Inc.); PubMed 28041643 (cited by Labcorp Genetics (formerly Invitae), Labcorp and NIHR Bioresource Rare Diseases, University of Cambridge); PubMed 18836446 (cited by Labcorp Genetics (formerly Invitae), Labcorp); PubMed 20333770 (cited by Labcorp Genetics (formerly Invitae), Labcorp).